The following is an entry in ClinVar:

ClinVar aggregate classification (germline): Uncertain significance (1 of 4 stars; one submission).

gnomAD v4.1: 5 of 1,613,982 alleles (0.00031%); highest among the groups gnomAD compares: African/African-American, 0.0067%; no homozygotes.

Submission:

Ambry Genetics
Classification: Uncertain significance. Last evaluated: 2025-10-05. Review status: criteria provided, single submitter. Criteria: Ambry Variant Classification Scheme 2023. Collection method: clinical testing. Allele origin: germline.
Comment: The p.K143N variant (also known as c.429G>C), located in coding exon 5 of the NEBL gene, results from a G to C substitution at nucleotide position 429. The lysine at codon 143 is replaced by asparagine, an amino acid with similar properties. This amino acid position is conserved. In addition, this alteration is predicted to be tolerated by in silico analysis. Based on the available evidence, the clinical significance of this variant remains unclear.

NM_006393.3(NEBL):c.429G>C (p.Lys143Asn)

Gene: NEBL (nebulette; minus strand). Cytogenetic location: 10p12.31.
Variant type: single nucleotide variant.
Coding change: c.429G>C on transcript NM_006393.3 (MANE Select); coding-DNA position 429, G replaced by C.
Protein change: p.Lys143Asn; replaces lysine 143 with asparagine.
Molecular consequence: missense variant. On other transcripts: intron variant (9).
Genome position (GRCh38, 1-based): chr10:20,880,845, C>G on the plus strand (G>C on the coding strand, the complement: NEBL is on the minus strand). VCF-style: chr10-20880845-C-G. GRCh37 (hg19) VCF-style: chr10-21169774-C-G.
Other names: c.250-67905G>C (NM_001377326.1, NM_001377327.1, NM_001377328.1); c.358-67905G>C (NM_213569.2, NM_001173484.2, NM_001377322.1); c.301-67905G>C (NM_001377324.1); c.292-67905G>C (NM_001377325.1); c.310-67905G>C (NM_001377323.1); short protein forms K143N.
Identifiers: ClinVar variation 4556732 (VCV004556732.1).